The following is an entry in ClinVar:

ClinVar aggregate classification (germline): Pathogenic (1 of 4 stars; one submission).

Conditions:
Hereditary breast ovarian cancer syndrome. Also called: Hereditary breast and ovarian cancer syndrome; Hereditary breast and/or ovarian cancer syndrome; Hereditary breast and ovarian cancer; Hereditary breast and ovarian cancer syndrome (HBOC); BRCA1- and BRCA2-Associated Hereditary Breast and Ovarian Cancer; Breast and ovarian cancer. Identifiers: Orphanet 145, MedGen C0677776, MeSH D061325, MONDO:0003582. Disease mechanism: loss of function.

Submission:

Women's Health and Genetics/Laboratory Corporation of America, LabCorp
Classification: Pathogenic for Hereditary breast ovarian cancer syndrome. Last evaluated: 2025-05-12. Review status: criteria provided, single submitter. Criteria: LabCorp Variant Classification Summary - May 2015. Collection method: clinical testing. Allele origin: germline.
Comment: Variant summary: The variant involves the deletion of exons 4-6 in the RAD51D gene. A presumed nomenclature of c.(263+1_264-1)_(576+1_577-1)del has been designated for the purposes of this classification. This Copy Number Variant (CNV) is expected to alter the reading frame and predicted to result in a truncation or absence of the encoded protein due to nonsense mediated decay (NMD). The variant was absent in 21694 control chromosomes. To our knowledge, no occurrence of c.(263+1_264-1)_(576+1_577-1)del in individuals affected with Hereditary Breast And Ovarian Cancer Syndrome and no experimental evidence demonstrating its impact on protein function have been reported. ClinVar contains an entry for this variant (Variation ID: 832402, 472585). Based on the evidence outlined above, the variant was classified as pathogenic.

NC_000017.10:g.(33430564_33433404)_(33434467_33445519)del

Gene: RAD51D (RAD51 paralog D; minus strand). Cytogenetic location: 17q12.
Variant type: Deletion.
Identifiers: ClinVar variation 3902315 (VCV003902315.1).